The following is an entry in ClinVar:

ClinVar aggregate classification (germline): Benign/Likely benign. Review status: criteria provided, multiple submitters, no conflicts (2 of 4 stars). 3 submissions from 3 submitters: Benign (1); Likely benign (2). Last evaluated 2026-04-21.

Conditions:
Colorectal cancer, susceptibility to, 1. Also called: COLORECTAL ADENOMA AND CANCER, SUSCEPTIBILITY TO; COLORECTAL CANCER, SUSCEPTIBILITY TO, ON CHROMOSOME 9. Identifiers: MedGen C1837315, MONDO:0012132, OMIM 608812.

Allele frequency attached by ClinVar (database versions not stated): gnomAD exomes 0.00006 and 0.00017; gnomAD 0.00048 and 0.00047; 1000 Genomes Project 30x 0.00078; ExAC 0.00021; TOPMed 0.00053; ESP Exome Variant Server 0.00062; 1000 Genomes Project 0.00100.
gnomAD v4.1: 167 of 1,613,630 alleles (0.01%); highest among the groups gnomAD compares: African/African-American, 0.16%; no homozygotes.

Submissions (3):

Myriad Genetics, Inc.
Classification: Likely benign for Colorectal cancer, susceptibility to, 1. Last evaluated: 2026-04-21. Review status: criteria provided, single submitter. Criteria: Myriad Autosomal Dominant, Autosomal Recessive and X-Linked Classification Criteria (2023). Collection method: clinical testing. Allele origin: unknown.
Comment: This variant is considered likely benign. This variant is intronic and is not expected to impact mRNA splicing.

Labcorp Genetics (formerly Invitae), Labcorp
Classification: Benign. Last evaluated: 2025-11-11. Review status: criteria provided, single submitter. Criteria: Invitae Variant Classification Sherloc (09022015). Collection method: clinical testing. Allele origin: germline.

Department of Pathology and Laboratory Medicine, Sinai Health System
Classification: Likely benign for colorectal cancer, susceptibility to, 1. Last evaluated: 2024-01-31. Review status: criteria provided, single submitter. Criteria: ACMG Guidelines, 2015. Collection method: clinical testing. Allele origin: germline. Affected: yes.

NM_024642.5(GALNT12):c.372-14C>T

Gene: GALNT12 (polypeptide N-acetylgalactosaminyltransferase 12; plus strand). Cytogenetic location: 9q22.33.
Variant type: single nucleotide variant.
Coding change: c.372-14C>T on transcript NM_024642.5 (MANE Select); 14 bases into the intron before coding-DNA position 372, C replaced by T.
Molecular consequence: intron variant.
Genome position (GRCh38, 1-based): chr9:98,823,242, C>T. VCF-style: chr9-98823242-C-T. GRCh37 (hg19) VCF-style: chr9-101585524-C-T.
Identifiers: ClinVar variation 1671601 (VCV001671601.10), dbSNP rs185007553, ClinGen allele CA5153927.
Genomic context (GRCh38, chr9:98,823,242, plus strand): 5'-TCCCCTTTGTCACTCCATCCCCAGTGCCAGCCTGGGCTAGATCCTGAGTTCCTGAAGTTC[C>T]GCTGTATTTGCAGGTGCAAAGAGAAGAAATATGATTATGATAATTTGCCCAGGACATCTG-3'